The following is an entry in ClinVar:

ClinVar aggregate classification (germline): Uncertain significance. Review status: criteria provided, multiple submitters, no conflicts (2 of 4 stars). 2 submissions from 2 submitters: Uncertain significance (2). Last evaluated 2024-12-16.

Allele frequency attached by ClinVar (database versions not stated): gnomAD exomes 0.00002; ExAC 0.00003; gnomAD 0.00003; TOPMed 0.00003.
gnomAD v4.1: 34 of 1,596,540 alleles (0.0021%); highest among the groups gnomAD compares: Admixed American, 0.0034%; no homozygotes.

Submissions (3):

Ambry Genetics
Classification: Uncertain significance. Last evaluated: 2024-12-16. Review status: criteria provided, single submitter. Criteria: Ambry Variant Classification Scheme 2023. Collection method: clinical testing. Allele origin: germline.

Labcorp Genetics (formerly Invitae), Labcorp
Classification: Uncertain significance. Last evaluated: 2023-07-17. Review status: criteria provided, single submitter. Criteria: Invitae Variant Classification Sherloc (09022015). Collection method: clinical testing. Allele origin: germline.
Comment: In summary, the available evidence is currently insufficient to determine the role of this variant in disease. Therefore, it has been classified as a Variant of Uncertain Significance. This sequence change replaces isoleucine, which is neutral and non-polar, with valine, which is neutral and non-polar, at codon 170 of the EXOSC8 protein (p.Ile170Val). This variant is present in population databases (rs763330676, gnomAD 0.005%). This variant has not been reported in the literature in individuals affected with EXOSC8-related conditions. ClinVar contains an entry for this variant (Variation ID: 2081448). Advanced modeling of protein sequence and biophysical properties (such as structural, functional, and spatial information, amino acid conservation, physicochemical variation, residue mobility, and thermodynamic stability) performed at Invitae indicates that this missense variant is not expected to disrupt EXOSC8 protein function.

Dr. Peter K. Rogan Lab, Western University
No classification provided (evidence only). Condition: Malignant lymphoma, large B-cell, diffuse. Review status: no classification provided. Collection method: in vitro. Allele origin: not applicable. Functional consequence: retained intron. Not counted in ClinVar's aggregate classification.

NM_181503.3(EXOSC8):c.508A>G (p.Ile170Val)

Gene: EXOSC8 (exosome component 8; plus strand). Cytogenetic location: 13q13.3.
Variant type: single nucleotide variant.
Coding change: c.508A>G on transcript NM_181503.3 (MANE Select); coding-DNA position 508, A replaced by G.
Protein change: p.Ile170Val; replaces isoleucine 170 with valine.
Molecular consequence: missense variant.
Genome position (GRCh38, 1-based): chr13:37,008,077, A>G. VCF-style: chr13-37008077-A-G. GRCh37 (hg19) VCF-style: chr13-37582214-A-G.
Other names: short protein forms I170V.
Identifiers: ClinVar variation 2081448 (VCV002081448.6), dbSNP rs763330676, ClinGen allele CA6951279.
Genomic context (GRCh38, chr13:37,008,077, plus strand): 5'-CTTAGAGACTTACTTACTTTACAAATTTGCCTTTTCTTAGTACAGTTGCCTGAAGTTACT[A>G]TAAATGAAGAAACTGCTTTAGCAGAAGTTAATTTAAAGAAGAAAAGTTATTTGAATATTA-3'
Protein context (NP_852480.1, residues 160-180): LKNVQLPEVT[Ile170Val]NEETALAEVN